The following is an entry in ClinVar:

ClinVar aggregate classification (germline): Uncertain significance (1 of 4 stars; one submission).

Conditions:
Hereditary cancer-predisposing syndrome. Also called: Hereditary Cancer Syndrome; Neoplastic Syndromes, Hereditary; Tumor predisposition; Hereditary neoplastic syndrome. Identifiers: Orphanet 140162, MedGen C0027672, MeSH D009386, MONDO:0015356.

Allele frequency attached by ClinVar (database versions not stated): gnomAD 0.00001; gnomAD exomes 0.00001 and 0.00003; ExAC 0.00002; 1000 Genomes Project 30x 0.00016; 1000 Genomes Project 0.00020.
gnomAD v4.1: 50 of 1,560,934 alleles (0.0032%); highest among the groups gnomAD compares: East Asian, 0.11%; 1 homozygote.

Submission:

Ambry Genetics
Classification: Uncertain significance for Hereditary cancer-predisposing syndrome. Last evaluated: 2015-11-17. Review status: criteria provided, single submitter. Criteria: Ambry Variant Classification Scheme 2023. Collection method: clinical testing. Allele origin: germline.
Comment: The c.*3T>C variant is located in the 3' untranslated region (3&rsquo; UTR) of the MRE11A gene. This variant results from a T to C substitution 3 nucleotides after the last translated codon. This variant was previously reported in the SNPDatabase as rs147059549. Based on data from the 1000 Genomes Project, the C allele has an overall frequency of approximately 0.05% (1/2098) total alleles studied. The highest observed frequency was 0.56% (1/178) Japanese alleles. To date, this alteration has been detected with an allele frequency of approximately 0.001% (greater than 120000 alleles tested) in our clinical cohort. This nucleotide position is well conserved in available vertebrate species. Since supporting evidence is limited at this time, the clinical significance of c.*3T>C remains unclear.

NM_005591.4(MRE11):c.*3T>C

Gene: MRE11 (MRE11 double strand break repair nuclease; minus strand). Cytogenetic location: 11q21.
Variant type: single nucleotide variant.
Coding change: c.*3T>C on transcript NM_005591.4 (MANE Select); 3 bases downstream of the stop codon, T replaced by C.
Molecular consequence: 3 prime UTR variant.
Genome position (GRCh38, 1-based): chr11:94,420,122, A>G on the plus strand (T>C on the coding strand, the complement: MRE11 is on the minus strand). VCF-style: chr11-94420122-A-G. GRCh37 (hg19) VCF-style: chr11-94153288-A-G.
Other names: c.*3T>C (NM_001330347.2, NM_005590.4).
Identifiers: ClinVar variation 479724 (VCV000479724.5), dbSNP rs147059549, ClinGen allele CA6234892.
Genomic context (GRCh38, chr11:94,420,122, plus strand): 5'-TCTTAGCTTGTAACATTTTCATTTTTCCTGTATCTTGCATGTTTCTCAGTGCCATTAAAT[A>G]TATTATCTTCTATTTCTTCTTAAAGAACTAGTGTTCATAAAAGGATCATCATCATCATCC-3'